The following is an entry in ClinVar:

NM_024675.4(PALB2):c.2985A>T (p.Ala995=)

Gene: PALB2 (partner and localizer of BRCA2; minus strand). Cytogenetic location: 16p12.2.
Variant type: single nucleotide variant.
Coding change: c.2985A>T on transcript NM_024675.4 (MANE Select); coding-DNA position 2985, A replaced by T.
Protein change: p.Ala995=; no amino-acid change (alanine 995 retained).
Molecular consequence: synonymous variant.
Genome position (GRCh38, 1-based): chr16:23,622,980, T>A on the plus strand (A>T on the coding strand, the complement: PALB2 is on the minus strand). VCF-style: chr16-23622980-T-A. GRCh37 (hg19) VCF-style: chr16-23634301-T-A.
Identifiers: ClinVar variation 186365 (VCV000186365.19), dbSNP rs786202892, ClinGen allele CA194621.
Genomic context (GRCh38, chr16:23,622,980, plus strand): 5'-AAAATCATTCTTCATCTAATAGTTAAAAATCAATCAATGCTTTTCTTACCCTCCATCTTC[T>A]GCAAACGTCATGACTTCTACTTGTTGATCAGAAAGGGTCCCACTGCTACTAACTAGCCTC-3'
Protein context (NP_078951.2, residues 985-1005): SDQQVEVMTF[Ala995=]EDGGGKENQF

ClinVar aggregate classification (germline): Benign/Likely benign. Review status: criteria provided, multiple submitters, no conflicts (2 of 4 stars). 6 submissions from 6 submitters: Benign (1); Likely benign (5). Last evaluated 2025-12-17.

Conditions:
Familial cancer of breast. Also called: BREAST CANCER, FAMILIAL; Hereditary breast cancer; hereditary breast carcinoma. Identifiers: Orphanet 227535, MedGen C0346153, MONDO:0016419, OMIM 114480. Disease mechanism: loss of function.
Fanconi anemia complementation group N. Also called: PALB2-Related Fanconi Anemia. Identifiers: Orphanet 84, MedGen C1835817, MONDO:0012565, OMIM 610832. Disease mechanism: loss of function.
Pancreatic cancer, susceptibility to, 3. Identifiers: Orphanet 1333, MedGen C3150547, MONDO:0013236, OMIM 613348.
Hereditary cancer-predisposing syndrome. Also called: Hereditary Cancer Syndrome; Neoplastic Syndromes, Hereditary; Tumor predisposition; Hereditary neoplastic syndrome. Identifiers: Orphanet 140162, MedGen C0027672, MeSH D009386, MONDO:0015356.

Allele frequency attached by ClinVar (database versions not stated): gnomAD exomes 0.00001 and 0.00003; gnomAD 0.00001; TOPMed 0.00001.
gnomAD v4.1: 8 of 1,614,060 alleles (0.0005%); highest among the groups gnomAD compares: Admixed American, 0.013%; no homozygotes.

Submissions (6):

Labcorp Genetics (formerly Invitae), Labcorp
Classification: Likely benign for Familial cancer of breast. Last evaluated: 2025-12-17. Review status: criteria provided, single submitter. Criteria: Invitae Variant Classification Sherloc (09022015). Collection method: clinical testing. Allele origin: germline.

Myriad Genetics, Inc.
Classification: Benign for Familial cancer of breast. Last evaluated: 2025-01-21. Review status: criteria provided, single submitter. Criteria: Myriad Autosomal Dominant, Autosomal Recessive and X-Linked Classification Criteria (2023). Collection method: clinical testing. Allele origin: unknown.
Comment: This variant is considered benign. This variant is a silent/synonymous amino acid change and it is not expected to impact splicing.

Quest Diagnostics Nichols Institute San Juan Capistrano
Classification: Likely benign. Last evaluated: 2022-11-25. Review status: criteria provided, single submitter. Criteria: Quest Diagnostics criteria. Collection method: clinical testing. Allele origin: unknown.

Fulgent Genetics
Classification: Likely benign for Familial cancer of breast; Fanconi anemia complementation group N; Pancreatic cancer, susceptibility to, 3. Last evaluated: 2021-08-03. Review status: criteria provided, single submitter. Criteria: ACMG Guidelines, 2015. Collection method: clinical testing. Allele origin: unknown.

GeneDx
Classification: Likely benign. Last evaluated: 2019-09-26. Review status: criteria provided, single submitter. Criteria: GeneDx Variant Classification Process June 2021. Collection method: clinical testing. Allele origin: germline. Affected: yes.

Ambry Genetics
Classification: Likely benign for Hereditary cancer-predisposing syndrome. Last evaluated: 2014-10-03. Review status: criteria provided, single submitter. Criteria: Ambry Variant Classification Scheme 2023. Collection method: clinical testing. Allele origin: germline.